The following is an entry in ClinVar:

NM_001042492.3(NF1):c.4881_4883del (p.Leu1629del)

Gene: NF1 (neurofibromin 1; plus strand). Cytogenetic location: 17q11.2.
Variant type: Deletion.
Coding change: c.4881_4883del on transcript NM_001042492.3 (MANE Select); coding-DNA positions 4881 to 4883, 3 bases deleted (CTT; older notation c.4881_4883delCTT).
Protein change: p.Leu1629del; deletes leucine 1629.
Molecular consequence: inframe deletion. On other transcripts: inframe indel (1).
Genome position (GRCh38, 1-based): chr17:31,325,865-31,325,867, CTT deleted; deleting any 3 consecutive bases within chr17:31,325,864-31,325,867 gives the same sequence; the c. name uses the placement nearest the transcript's 3' end. VCF-style (leftmost placement, unchanged base first): chr17-31325863-GTCT-G. GRCh37 (hg19) VCF-style: chr17-29652881-GTCT-G.
Other names: c.4818_4820delCTT, p.Leu1608del (NM_000267.4); short protein forms L1629del, L1608del.
Identifiers: ClinVar variation 2692678 (VCV002692678.3), dbSNP rs2508694483, ClinGen allele CA2697559544.
Genomic context (GRCh38, chr17:31,325,863, plus strand): 5'-TTTGTCATTTTCCTTAGGTTCAAAACTGGTCAAATCAATGGTGATTTGCTGATATACCAT[GTCT>G]TACTGACTTTAAAGCCATATTATGCAAAGCCATATGAAATTGTAGTGGACCTTACCCATA-3'

ClinVar aggregate classification (germline): Uncertain significance (1 of 4 stars; one submission).

Conditions:
Neurofibromatosis, type 1 (NF1). Also called: Peripheral type neurofibromatosis; NEUROFIBROMATOSIS, TYPE I, SOMATIC; Neurofibromatosis, type I; VON RECKLINGHAUSEN DISEASE. Identifiers: Orphanet 636, MedGen C0027831, MONDO:0018975, OMIM 162200. Disease mechanism: loss of function.

Submission:

Labcorp Genetics (formerly Invitae), Labcorp
Classification: Uncertain significance for Neurofibromatosis, type 1. Last evaluated: 2023-11-02. Review status: criteria provided, single submitter. Criteria: Invitae Variant Classification Sherloc (09022015). Collection method: clinical testing. Allele origin: germline.
Comment: This variant, c.4818_4820del, results in the deletion of 1 amino acid(s) of the NF1 protein (p.Leu1608del), but otherwise preserves the integrity of the reading frame. This variant is not present in population databases (gnomAD no frequency). This variant has not been reported in the literature in individuals affected with NF1-related conditions. Experimental studies and prediction algorithms are not available or were not evaluated, and the functional significance of this variant is currently unknown. In summary, the available evidence is currently insufficient to determine the role of this variant in disease. Therefore, it has been classified as a Variant of Uncertain Significance.